The following is an entry in ClinVar:

ClinVar aggregate classification (germline): Uncertain significance. Review status: criteria provided, multiple submitters, no conflicts (2 of 4 stars). 3 submissions from 3 submitters: Uncertain significance (3). Last evaluated 2024-02-29.

Conditions:
Congenital dyserythropoietic anemia, type I. Also called: Dyserythropoietic anemia, congenital type 1. Identifiers: Orphanet 98869, MedGen C0271933, MONDO:0020337. Disease mechanism: loss of function.

Allele frequency attached by ClinVar (database versions not stated): ExAC 0.00001; gnomAD exomes 0.00002; TOPMed 0.00002; gnomAD 0.00004; ESP Exome Variant Server 0.00008.
gnomAD v4.1: 39 of 1,613,780 alleles (0.0024%); highest among the groups gnomAD compares: Admixed American, 0.0067%; no homozygotes.

Submissions (3):

Mayo Clinic Laboratories, Mayo Clinic
Classification: Uncertain significance. Last evaluated: 2024-02-29. Review status: criteria provided, single submitter. Criteria: ACMG Guidelines, 2015. Collection method: clinical testing. Allele origin: germline. Observed: 1 variant allele.
Comment: PM2_moderate

Blueprint Genetics
Classification: Uncertain significance. Last evaluated: 2023-07-18. Review status: criteria provided, single submitter. Criteria: ACMG Guidelines, 2015. Collection method: clinical testing. Allele origin: germline.

ARUP Laboratories, Molecular Genetics and Genomics, ARUP Laboratories
Classification: Uncertain significance for Anemia, congenital dyserythropoietic, type 1a. Last evaluated: 2020-04-14. Review status: criteria provided, single submitter. Criteria: ARUP Molecular Germline Variant Investigation Process. Collection method: clinical testing. Allele origin: germline.

NM_138477.4(CDAN1):c.527A>T (p.Glu176Val)

Gene: CDAN1 (codanin 1; minus strand). Cytogenetic location: 15q15.2.
Variant type: single nucleotide variant.
Coding change: c.527A>T on transcript NM_138477.4 (MANE Select); coding-DNA position 527, A replaced by T.
Protein change: p.Glu176Val; replaces glutamic acid 176 with valine.
Molecular consequence: missense variant.
Genome position (GRCh38, 1-based): chr15:42,736,344, T>A on the plus strand (A>T on the coding strand, the complement: CDAN1 is on the minus strand). VCF-style: chr15-42736344-T-A. GRCh37 (hg19) VCF-style: chr15-43028542-T-A.
Other names: p.Glu176Val; short protein forms E176V.
Identifiers: ClinVar variation 993509 (VCV000993509.10), dbSNP rs373153188, ClinGen allele CA7516387.